The following is an entry in ClinVar:

NM_203447.4(DOCK8):c.3536G>T (p.Ser1179Ile)

Gene: DOCK8 (dedicator of cytokinesis 8; plus strand). Cytogenetic location: 9p24.3.
Variant type: single nucleotide variant.
Coding change: c.3536G>T on transcript NM_203447.4 (MANE Select); coding-DNA position 3536, G replaced by T.
Protein change: p.Ser1179Ile; replaces serine 1179 with isoleucine.
Molecular consequence: missense variant.
Genome position (GRCh38, 1-based): chr9:414,787, G>T. VCF-style: chr9-414787-G-T. GRCh37 (hg19) VCF-style: chr9-414787-G-T.
Other names: c.3236G>T, p.Ser1079Ile (NM_001190458.2); c.3332G>T, p.Ser1111Ile (NM_001193536.2); short protein forms S1079I, S1179I, S1111I.
Identifiers: ClinVar variation 945251 (VCV000945251.10), dbSNP rs779346551, ClinGen allele CA4958744.

ClinVar aggregate classification (germline): Uncertain significance (1 of 4 stars; one submission).

Conditions:
Combined immunodeficiency due to DOCK8 deficiency (HIES2). Also called: HIES autosomal recessive; HYPER-IgE RECURRENT INFECTION SYNDROME 2, AUTOSOMAL RECESSIVE; HYPER-IgE SYNDROME 2, AUTOSOMAL RECESSIVE, WITH RECURRENT INFECTIONS; Hyper-IgE recurrent infection syndrome, autosomal recessive; DOCK8 Deficiency. Identifiers: Orphanet 217390, MedGen C4722305, MONDO:0009478, OMIM 243700.

Allele frequency attached by ClinVar (database versions not stated): gnomAD exomes below 0.00001; TOPMed below 0.00001; ExAC 0.00001.
gnomAD v4.1: 5 of 1,614,194 alleles (0.00031%); highest among the groups gnomAD compares: South Asian, 0.0055%; no homozygotes.

Submission:

Labcorp Genetics (formerly Invitae), Labcorp
Classification: Uncertain significance for Combined immunodeficiency due to DOCK8 deficiency. Last evaluated: 2019-04-03. Review status: criteria provided, single submitter. Criteria: Invitae Variant Classification Sherloc (09022015). Collection method: clinical testing. Allele origin: germline.
Comment: This variant is present in population databases (rs779346551, ExAC 0.006%). This variant has not been reported in the literature in individuals with DOCK8-related conditions. Algorithms developed to predict the effect of missense changes on protein structure and function (SIFT, PolyPhen-2, Align-GVGD) all suggest that this variant is likely to be tolerated, but these predictions have not been confirmed by published functional studies and their clinical significance is uncertain. In summary, the available evidence is currently insufficient to determine the role of this variant in disease. Therefore, it has been classified as a Variant of Uncertain Significance. This sequence change replaces serine with isoleucine at codon 1179 of the DOCK8 protein (p.Ser1179Ile). The serine residue is moderately conserved and there is a large physicochemical difference between serine and isoleucine.